The following is an entry in ClinVar:

ClinVar aggregate classification (germline): Uncertain significance (1 of 4 stars; one submission).

Conditions:
Neuroblastoma, susceptibility to, 3. Also called: ALK-Related Neuroblastic Tumor Susceptibility. Identifiers: Orphanet 635, MedGen C2751681, MONDO:0013083, OMIM 613014.

Submission:

Labcorp Genetics (formerly Invitae), Labcorp
Classification: Uncertain significance for Neuroblastoma, susceptibility to, 3. Last evaluated: 2023-07-07. Review status: criteria provided, single submitter. Criteria: Invitae Variant Classification Sherloc (09022015). Collection method: clinical testing. Allele origin: germline.
Comment: This sequence change affects an acceptor splice site in intron 22 of the ALK gene. It is expected to disrupt RNA splicing. Variants that disrupt the donor or acceptor splice site typically lead to a loss of protein function (PMID: 16199547), however the current clinical and genetic evidence is not sufficient to establish whether loss-of-function variants in ALK cause disease. This variant is not present in population databases (gnomAD no frequency). This variant has not been reported in the literature in individuals affected with ALK-related conditions. Algorithms developed to predict the effect of sequence changes on RNA splicing suggest that this variant may disrupt the consensus splice site. In summary, the available evidence is currently insufficient to determine the role of this variant in disease. Therefore, it has been classified as a Variant of Uncertain Significance.

Literature cited by the submitters: PubMed 16199547.

NM_004304.5(ALK):c.3516-1G>A

Gene: ALK (ALK receptor tyrosine kinase; minus strand). Cytogenetic location: 2p23.2.
Variant type: single nucleotide variant.
Coding change: c.3516-1G>A on transcript NM_004304.5 (MANE Select); the canonical splice acceptor site of the intron before coding-DNA position 3516, G replaced by A.
Molecular consequence: splice acceptor variant.
Genome position (GRCh38, 1-based): chr2:29,220,836, C>T on the plus strand (G>A on the coding strand, the complement: ALK is on the minus strand). VCF-style: chr2-29220836-C-T. GRCh37 (hg19) VCF-style: chr2-29443702-C-T.
Other names: c.312-1G>A (NM_001353765.2).
Identifiers: ClinVar variation 2736791 (VCV002736791.3), dbSNP rs2148166745, ClinGen allele CA346473203.